The following is an entry in ClinVar:

NM_022114.4(PRDM16):c.2810C>T (p.Pro937Leu)

Gene: PRDM16 (PR/SET domain 16; plus strand). Cytogenetic location: 1p36.32.
Variant type: single nucleotide variant.
Coding change: c.2810C>T on transcript NM_022114.4 (MANE Select); coding-DNA position 2810, C replaced by T.
Protein change: p.Pro937Leu; replaces proline 937 with leucine.
Molecular consequence: missense variant.
Genome position (GRCh38, 1-based): chr1:3,417,946, C>T. VCF-style: chr1-3417946-C-T. GRCh37 (hg19) VCF-style: chr1-3334510-C-T.
Other names: c.2810C>T (NM_022114.3); c.2810C>T, p.Pro937Leu (NM_199454.3); short protein forms P937L.
Identifiers: ClinVar variation 1898158 (VCV001898158.6), dbSNP rs747152216, ClinGen allele CA544613.

ClinVar aggregate classification (germline): Uncertain significance. Review status: criteria provided, multiple submitters, no conflicts (2 of 4 stars). 2 submissions from 2 submitters: Uncertain significance (2). Last evaluated 2025-12-10.

Conditions:
Left ventricular noncompaction 8 (LVNC8). Identifiers: Orphanet 154, Orphanet 54260, MedGen C3809288, MONDO:0014152, OMIM 615373.

Allele frequency attached by ClinVar (database versions not stated): gnomAD 0.00001; TOPMed 0.00001; gnomAD exomes 0.00002; ExAC 0.00003.
gnomAD v4.1: 29 of 1,613,140 alleles (0.0018%); highest among the groups gnomAD compares: Admixed American, 0.017%; no homozygotes.

Submissions (2):

Labcorp Genetics (formerly Invitae), Labcorp
Classification: Uncertain significance for Left ventricular noncompaction 8. Last evaluated: 2025-12-10. Review status: criteria provided, single submitter. Criteria: Invitae Variant Classification Sherloc (09022015). Collection method: clinical testing. Allele origin: germline.
Comment: This sequence change replaces proline, which is neutral and non-polar, with leucine, which is neutral and non-polar, at codon 937 of the PRDM16 protein (p.Pro937Leu). This variant is present in population databases (rs747152216, gnomAD 0.01%). This variant has not been reported in the literature in individuals affected with PRDM16-related conditions. ClinVar contains an entry for this variant (Variation ID: 1898158). An algorithm developed to predict the effect of missense changes on protein structure and function (PolyPhen-2) suggests that this variant is likely to be tolerated. In summary, the available evidence is currently insufficient to determine the role of this variant in disease. Therefore, it has been classified as a Variant of Uncertain Significance.

GeneDx
Classification: Uncertain significance. Last evaluated: 2025-07-18. Review status: criteria provided, single submitter. Criteria: GeneDx Variant Classification Process June 2021. Collection method: clinical testing. Allele origin: germline. Affected: yes.
Comment: Not observed at significant frequency in large population cohorts (gnomAD); In silico analysis supports that this missense variant has a deleterious effect on protein structure/function; Has not been previously published as pathogenic or benign to our knowledge